The following is an entry in ClinVar:

ClinVar aggregate classification (germline): Conflicting classifications of pathogenicity. Review status: criteria provided, conflicting classifications (1 of 4 stars). 2 submissions from 2 submitters: Uncertain significance (1); Likely benign (1). Last evaluated 2024-06-07.

Conditions:
Inborn genetic diseases. Identifiers: MedGen C0950123, MeSH D030342.

Allele frequency attached by ClinVar (database versions not stated): gnomAD exomes 0.00001 and 0.00003; ExAC 0.00002; gnomAD 0.00002.
gnomAD v4.1: 21 of 1,613,108 alleles (0.0013%); highest among the groups gnomAD compares: Middle Eastern, 0.033%; no homozygotes.

Submissions (2):

Ambry Genetics
Classification: Likely benign for Inborn genetic diseases. Last evaluated: 2024-06-07. Review status: criteria provided, single submitter. Criteria: Ambry Variant Classification Scheme 2023. Collection method: clinical testing. Allele origin: germline.

Labcorp Genetics (formerly Invitae), Labcorp
Classification: Uncertain significance. Last evaluated: 2022-09-21. Review status: criteria provided, single submitter. Criteria: Invitae Variant Classification Sherloc (09022015). Collection method: clinical testing. Allele origin: germline.
Comment: This sequence change replaces lysine, which is basic and polar, with glutamic acid, which is acidic and polar, at codon 38 of the MTPAP protein (p.Lys38Glu). This variant is present in population databases (rs765205515, gnomAD 0.01%). This variant has not been reported in the literature in individuals affected with MTPAP-related conditions. ClinVar contains an entry for this variant (Variation ID: 1491509). Algorithms developed to predict the effect of missense changes on protein structure and function output the following: SIFT: "Tolerated"; PolyPhen-2: "Benign"; Align-GVGD: "Class C0". The glutamic acid amino acid residue is found in multiple mammalian species, which suggests that this missense change does not adversely affect protein function. In summary, the available evidence is currently insufficient to determine the role of this variant in disease. Therefore, it has been classified as a Variant of Uncertain Significance.

NM_018109.4(MTPAP):c.112A>G (p.Lys38Glu)

Genes: MTPAP (mitochondrial poly(A) polymerase; minus strand), LOC130003598 (ATAC-STARR-seq lymphoblastoid active region 3207; plus strand). Cytogenetic location: 10p11.23.
Variant type: single nucleotide variant.
Coding change: c.112A>G on transcript NM_018109.4 (MANE Select); coding-DNA position 112, A replaced by G.
Protein change: p.Lys38Glu; replaces lysine 38 with glutamic acid.
Molecular consequence: missense variant.
Genome position (GRCh38, 1-based): chr10:30,349,164, T>C on the plus strand (A>G on the coding strand, the complement: MTPAP is on the minus strand). VCF-style: chr10-30349164-T-C. GRCh37 (hg19) VCF-style: chr10-30638093-T-C.
Other names: c.112A>G (NM_018109.3); short protein forms K38E.
Identifiers: ClinVar variation 1491509 (VCV001491509.4), dbSNP rs765205515, ClinGen allele CA5459289.